The following is an entry in ClinVar:

ClinVar aggregate classification (germline): Uncertain significance (1 of 4 stars; one submission).

Conditions:
Brachyolmia-amelogenesis imperfecta syndrome. Also called: Tooth agenesis, selective, 6; Dental anomalies and short stature; PLATYSPONDYLY WITH AMELOGENESIS IMPERFECTA. Identifiers: Orphanet 2899, MedGen C1832594, MONDO:0011018, OMIM 601216. Disease mechanism: loss of function.

Submission:

Labcorp Genetics (formerly Invitae), Labcorp
Classification: Uncertain significance for Brachyolmia-amelogenesis imperfecta syndrome. Last evaluated: 2022-10-25. Review status: criteria provided, single submitter. Criteria: Invitae Variant Classification Sherloc (09022015). Collection method: clinical testing. Allele origin: germline.
Comment: This sequence change replaces cysteine, which is neutral and slightly polar, with tryptophan, which is neutral and slightly polar, at codon 1010 of the LTBP3 protein (p.Cys1010Trp). This variant is not present in population databases (gnomAD no frequency). This variant has not been reported in the literature in individuals affected with LTBP3-related conditions. Algorithms developed to predict the effect of missense changes on protein structure and function are either unavailable or do not agree on the potential impact of this missense change (SIFT: "Deleterious"; PolyPhen-2: "Probably Damaging"; Align-GVGD: "Class C15"). In summary, the available evidence is currently insufficient to determine the role of this variant in disease. Therefore, it has been classified as a Variant of Uncertain Significance.

NM_001130144.3(LTBP3):c.3030C>G (p.Cys1010Trp)

Genes: LTBP3 (latent transforming growth factor beta binding protein 3; minus strand), LOC121832793 (Sharpr-MPRA regulatory region 4001; plus strand). Cytogenetic location: 11q13.1.
Variant type: single nucleotide variant.
Coding change: c.3030C>G on transcript NM_001130144.3 (MANE Select); coding-DNA position 3030, C replaced by G.
Protein change: p.Cys1010Trp; replaces cysteine 1010 with tryptophan.
Molecular consequence: missense variant.
Genome position (GRCh38, 1-based): chr11:65,540,562, G>C on the plus strand (C>G on the coding strand, the complement: LTBP3 is on the minus strand). VCF-style: chr11-65540562-G-C. GRCh37 (hg19) VCF-style: chr11-65308033-G-C.
Other names: c.2679C>G, p.Cys893Trp (NM_001164266.1); c.3030C>G, p.Cys1010Trp (NM_021070.4); short protein forms C1010W, C893W.
Identifiers: ClinVar variation 1933315 (VCV001933315.5), dbSNP rs1421349880, ClinGen allele CA381267819.